The following is an entry in ClinVar:

NM_002485.5(NBN):c.1914+2T>G

Genes: NBN (nibrin; minus strand), LOC126860438 (MED14-independent group 3 enhancer GRCh37_chr8:90959982-90961181; plus strand). Cytogenetic location: 8q21.3.
Variant type: single nucleotide variant.
Coding change: c.1914+2T>G on transcript NM_002485.5 (MANE Select); the canonical splice donor site of the intron after coding-DNA position 1914, T replaced by G.
Molecular consequence: splice donor variant.
Genome position (GRCh38, 1-based): chr8:89,947,822, A>C on the plus strand (T>G on the coding strand, the complement: NBN is on the minus strand). VCF-style: chr8-89947822-A-C. GRCh37 (hg19) VCF-style: chr8-90960050-A-C.
Other names: c.1668+2T>G (NM_001024688.3).
Identifiers: ClinVar variation 1066491 (VCV001066491.7), dbSNP rs2129659522, ClinGen allele CA371677175.

ClinVar aggregate classification (germline): Likely pathogenic (1 of 4 stars; one submission).

Conditions:
Microcephaly, normal intelligence and immunodeficiency (NBS). Also called: Microcephaly with normal intelligence immunodeficiency and lymphoreticular malignancies; Nonsyndromal microcephaly autosomal recessive with normal intelligence; Seemanova syndrome 2; SEEMANOVA SYNDROME II; BERLIN BREAKAGE SYNDROME; Immunodeficiency, microcephaly with normal intelligence. Identifiers: Orphanet 647, MedGen C0398791, MONDO:0009623, OMIM 251260.

Allele frequency attached by ClinVar (database versions not stated): gnomAD exomes below 0.00001.
gnomAD v4.1: 1 of 1,549,048 alleles (0.000065%); highest among the groups gnomAD compares: Non-Finnish European, 0.000089%; no homozygotes.

Submission:

Labcorp Genetics (formerly Invitae), Labcorp
Classification: Likely pathogenic for Microcephaly, normal intelligence and immunodeficiency. Last evaluated: 2020-09-05. Review status: criteria provided, single submitter. Criteria: Invitae Variant Classification Sherloc (09022015). Collection method: clinical testing. Allele origin: germline.
Comment: In summary, the currently available evidence indicates that the variant is pathogenic, but additional data are needed to prove that conclusively. Therefore, this variant has been classified as Likely Pathogenic. This sequence change affects a donor splice site in intron 12 of the NBN gene. It is expected to disrupt RNA splicing and likely results in an absent or disrupted protein product. This variant is not present in population databases (ExAC no frequency). This variant has not been reported in the literature in individuals with NBN-related conditions. Algorithms developed to predict the effect of sequence changes on RNA splicing suggest that this variant may disrupt the consensus splice site, but this prediction has not been confirmed by published transcriptional studies. Donor and acceptor splice site variants typically lead to a loss of protein function (PMID: 16199547), and loss-of-function variants in NBN are known to be pathogenic (PMID: 9590180, 16415040).

Literature cited by the submitters: PubMed 16199547; PubMed 9590180; PubMed 16415040.